The following is an entry in ClinVar:

ClinVar aggregate classification (germline): Uncertain significance (1 of 4 stars; one submission).

gnomAD v4.1: 1 of 1,610,498 alleles (0.000062%); highest among the groups gnomAD compares: Admixed American, 0.0017%; no homozygotes.

Submission:

Labcorp Genetics (formerly Invitae), Labcorp
Classification: Uncertain significance. Last evaluated: 2024-11-18. Review status: criteria provided, single submitter. Criteria: Invitae Variant Classification Sherloc (09022015). Collection method: clinical testing. Allele origin: germline.
Comment: This sequence change affects codon 182 of the CDHR1 mRNA. It is a 'silent' change, meaning that it does not change the encoded amino acid sequence of the CDHR1 protein. The frequency data for this variant in the population databases is considered unreliable, as metrics indicate poor data quality at this position in the gnomAD database. This variant has not been reported in the literature in individuals affected with CDHR1-related conditions. ClinVar contains an entry for this variant (Variation ID: 1382511). Algorithms developed to predict the effect of sequence changes on RNA splicing suggest that this variant may disrupt the consensus splice site. In summary, the available evidence is currently insufficient to determine the role of this variant in disease. Therefore, it has been classified as a Variant of Uncertain Significance.

NM_033100.4(CDHR1):c.546C>A (p.Ala182=)

Gene: CDHR1 (cadherin related family member 1; plus strand). Cytogenetic location: 10q23.1.
Variant type: single nucleotide variant.
Coding change: c.546C>A on transcript NM_033100.4 (MANE Select); coding-DNA position 546, C replaced by A.
Protein change: p.Ala182=; no amino-acid change (alanine 182 retained).
Molecular consequence: synonymous variant.
Genome position (GRCh38, 1-based): chr10:84,201,827, C>A. VCF-style: chr10-84201827-C-A. GRCh37 (hg19) VCF-style: chr10-85961583-C-A.
Other names: c.546C>A, p.Ala182= (NM_001171971.3).
Identifiers: ClinVar variation 1382511 (VCV001382511.7), dbSNP rs747165743, ClinGen allele CA210380127.